The following is an entry in ClinVar:

ClinVar aggregate classification (germline): Uncertain significance (1 of 4 stars; one submission).

Submission:

Labcorp Genetics (formerly Invitae), Labcorp
Classification: Uncertain significance. Last evaluated: 2025-04-05. Review status: criteria provided, single submitter. Criteria: Invitae Variant Classification Sherloc (09022015). Collection method: clinical testing. Allele origin: germline.
Comment: This sequence change replaces aspartic acid, which is acidic and polar, with asparagine, which is neutral and polar, at codon 1545 of the SORL1 protein (p.Asp1545Asn). This variant is not present in population databases (gnomAD no frequency). This variant has not been reported in the literature in individuals affected with SORL1-related conditions. An algorithm developed to predict the effect of missense changes on protein structure and function (PolyPhen-2) suggests that this variant is likely to be disruptive. In summary, the available evidence is currently insufficient to determine the role of this variant in disease. Therefore, it has been classified as a Variant of Uncertain Significance.

NM_003105.6(SORL1):c.4633G>A (p.Asp1545Asn)

Gene: SORL1 (sortilin related receptor 1; plus strand). Cytogenetic location: 11q24.1.
Variant type: single nucleotide variant.
Coding change: c.4633G>A on transcript NM_003105.6 (MANE Select); coding-DNA position 4633, G replaced by A.
Protein change: p.Asp1545Asn; replaces aspartic acid 1545 with asparagine.
Molecular consequence: missense variant.
Genome position (GRCh38, 1-based): chr11:121,604,306, G>A. VCF-style: chr11-121604306-G-A. GRCh37 (hg19) VCF-style: chr11-121475015-G-A.
Other names: short protein forms D1545N.
Identifiers: ClinVar variation 4767864 (VCV004767864.1).